The following is an entry in ClinVar:

ClinVar aggregate classification (germline): Uncertain significance (1 of 4 stars; one submission).

Conditions:
A2ML1-related disorder. Also called: A2ML1-related condition.

Submission:

PreventionGenetics, part of Exact Sciences
Classification: Uncertain significance for A2ML1-related condition. Last evaluated: 2024-12-02. Review status: criteria provided, single submitter. Criteria: ACMG Guidelines, 2015. Collection method: clinical testing. Allele origin: germline.
Comment: The A2ML1 c.1796T>C variant is predicted to result in the amino acid substitution p.Leu599Ser. To our knowledge, this variant has not been reported in the literature or in a large population database (gnomAD), indicating this variant is rare. At this time, the clinical significance of this variant is uncertain due to the absence of conclusive functional and genetic evidence.

NM_144670.6(A2ML1):c.1796T>C (p.Leu599Ser)

Gene: A2ML1 (alpha-2-macroglobulin like 1; plus strand). Cytogenetic location: 12p13.31.
Variant type: single nucleotide variant.
Coding change: c.1796T>C on transcript NM_144670.6 (MANE Select); coding-DNA position 1796, T replaced by C.
Protein change: p.Leu599Ser; replaces leucine 599 with serine.
Molecular consequence: missense variant.
Genome position (GRCh38, 1-based): chr12:8,847,661, T>C. VCF-style: chr12-8847661-T-C. GRCh37 (hg19) VCF-style: chr12-9000257-T-C.
Other names: c.323T>C, p.Leu108Ser (NM_001282424.3); short protein forms L108S, L599S.
Identifiers: ClinVar variation 5000803 (VCV005000803.1).